The following is an entry in ClinVar:

NM_000535.7(PMS2):c.247T>G (p.Leu83Val)

Gene: PMS2 (PMS1 homolog 2, mismatch repair system component; minus strand). Cytogenetic location: 7p22.1.
Variant type: single nucleotide variant.
Coding change: c.247T>G on transcript NM_000535.7 (MANE Select); coding-DNA position 247, T replaced by G.
Protein change: p.Leu83Val; replaces leucine 83 with valine.
Molecular consequence: missense variant. On other transcripts: 5 prime UTR variant (37), non-coding transcript variant (1), intron variant (1).
Genome position (GRCh38, 1-based): chr7:6,003,975, A>C on the plus strand (T>G on the coding strand, the complement: PMS2 is on the minus strand). VCF-style: chr7-6003975-A-C. GRCh37 (hg19) VCF-style: chr7-6043606-A-C.
Other names: c.-159T>G (NM_001322003.2, NM_001322004.2, NM_001322005.2 and 13 more transcripts); c.247T>G, p.Leu83Val (NM_001322006.2, NM_001322014.2, NM_001406868.1 and 10 more transcripts); c.32T>G, p.Leu11Arg (NM_001322007.2, NM_001322008.2, NM_001406876.1 and 4 more transcripts); c.-638T>G (NM_001322011.2, NM_001322012.2); c.-238T>G (NM_001322015.2, NM_001406875.1, NM_001406877.1 and 3 more transcripts); c.433T>G, p.Leu145Val (NM_001406866.1); c.-185T>G (NM_001406880.1); c.-135T>G (NM_001406881.1, NM_001406900.1); and 3 more; short protein forms L11R, L145V, L83V.
Identifiers: ClinVar variation 3650175 (VCV003650175.2).

ClinVar aggregate classification (germline): Uncertain significance (1 of 4 stars; one submission).

Conditions:
Hereditary nonpolyposis colorectal neoplasms. Identifiers: MedGen C0009405, MeSH D003123.

Submission:

Labcorp Genetics (formerly Invitae), Labcorp
Classification: Uncertain significance for Hereditary nonpolyposis colorectal neoplasms. Last evaluated: 2025-07-02. Review status: criteria provided, single submitter. Criteria: Invitae Variant Classification Sherloc (09022015). Collection method: clinical testing. Allele origin: germline.
Comment: This sequence change replaces leucine, which is neutral and non-polar, with valine, which is neutral and non-polar, at codon 83 of the PMS2 protein (p.Leu83Val). This variant is not present in population databases (gnomAD no frequency). This variant has not been reported in the literature in individuals affected with PMS2-related conditions. ClinVar contains an entry for this variant (Variation ID: 3650175). Invitae Evidence Modeling of protein sequence and biophysical properties (such as structural, functional, and spatial information, amino acid conservation, physicochemical variation, residue mobility, and thermodynamic stability) indicates that this missense variant is not expected to disrupt PMS2 protein function with a negative predictive value of 80%. Algorithms developed to predict the effect of sequence changes on RNA splicing suggest that this variant may disrupt the consensus splice site. In summary, the available evidence is currently insufficient to determine the role of this variant in disease. Therefore, it has been classified as a Variant of Uncertain Significance.